The following is an entry in ClinVar:

NM_206933.4(USH2A):c.12490del (p.His4164fs)

Gene: USH2A (usherin; minus strand). Cytogenetic location: 1q41.
Variant type: Deletion.
Coding change: c.12490del on transcript NM_206933.4 (MANE Select); coding-DNA position 12490, one base deleted (C; older notation c.12490delC).
Protein change: p.His4164fs; shifts the reading frame from histidine 4164.
Molecular consequence: frameshift variant.
Genome position (GRCh38, 1-based): chr1:215,675,421, G deleted on the plus strand (C on the coding strand, the reverse complement: USH2A is on the minus strand); the first of 2 consecutive G bases (chr1:215,675,421-215,675,422); deleting either gives the same sequence. VCF-style (leftmost placement, unchanged base first): chr1-215675420-TG-T. GRCh37 (hg19) VCF-style: chr1-215848762-TG-T.
Other names: short protein forms H4164fs.
Identifiers: ClinVar variation 5003268 (VCV005003268.1).

ClinVar aggregate classification (germline): Pathogenic (1 of 4 stars; one submission).

Conditions:
USH2A-related disorder. Also called: USH2A-related disorders; USH2A-related condition. Identifiers: MedGen CN239332.

Submission:

Myriad Genetics, Inc.
Classification: Pathogenic for USH2A-related disorder. Last evaluated: 2026-08-10. Review status: criteria provided, single submitter. Criteria: Myriad Autosomal Dominant, Autosomal Recessive and X-Linked Classification Criteria (2023). Collection method: clinical testing. Allele origin: unknown.
Comment: NM_206933.2(USH2A):c.12490delC(H4164Tfs*3) is a frameshift variant classified as pathogenic in the context of USH2A-related disorders. H4164Tfs*3 has been observed in a case with relevant disease (PMID: 20507924). Relevant functional assessments of this variant are not available in the literature. H4164Tfs*3 has been observed in referenced population frequency databases. In summary, NM_206933.2(USH2A):c.12490delC(H4164Tfs*3) is a frameshift variant in a gene where loss of function is a known mechanism of disease and is predicted to disrupt protein function. Please note: this variant was assessed in the context of healthy population screening.

Literature cited by the submitters: PubMed 20507924.